The following is an entry in ClinVar:

ClinVar aggregate classification (germline): Uncertain significance (1 of 4 stars; one submission).

Conditions:
Hereditary cancer-predisposing syndrome. Also called: Tumor predisposition; Hereditary neoplastic syndrome; Hereditary Cancer Syndrome; Neoplastic Syndromes, Hereditary. Identifiers: Orphanet 140162, MedGen C0027672, MeSH D009386, MONDO:0015356.

gnomAD v4.1: 3 of 1,614,218 alleles (0.00019%); highest among the groups gnomAD compares: East Asian, 0.0067%; no homozygotes.

Submission:

Labcorp Genetics (formerly Invitae), Labcorp
Classification: Uncertain significance for Hereditary cancer-predisposing syndrome. Last evaluated: 2020-01-08. Review status: criteria provided, single submitter. Criteria: Invitae Variant Classification Sherloc (09022015). Collection method: clinical testing. Allele origin: germline.
Comment: Algorithms developed to predict the effect of missense changes on protein structure and function are either unavailable or do not agree on the potential impact of this missense change (SIFT: "Deleterious"; PolyPhen-2: "Probably Damaging"; Align-GVGD: "Class C0"). In summary, the available evidence is currently insufficient to determine the role of this variant in disease. Therefore, it has been classified as a Variant of Uncertain Significance. This variant has not been reported in the literature in individuals with RAD50-related conditions. This variant is not present in population databases (ExAC no frequency). This sequence change replaces alanine with valine at codon 1216 of the RAD50 protein (p.Ala1216Val). The alanine residue is highly conserved and there is a small physicochemical difference between alanine and valine.

NM_005732.4(RAD50):c.3647C>T (p.Ala1216Val)

Genes: RAD50 (RAD50 double strand break repair protein; plus strand), TH2LCRR (T helper type 2 locus control region associated RNA; minus strand), TH2-LCR (Th2 cytokine locus control region; plus strand). Cytogenetic location: 5q31.1.
Variant type: single nucleotide variant.
Coding change: c.3647C>T on transcript NM_005732.4 (MANE Select); coding-DNA position 3647, C replaced by T.
Protein change: p.Ala1216Val; replaces alanine 1216 with valine.
Molecular consequence: missense variant.
Genome position (GRCh38, 1-based): chr5:132,640,700, C>T. VCF-style: chr5-132640700-C-T. GRCh37 (hg19) VCF-style: chr5-131976392-C-T.
Other names: short protein forms A1216V.
Identifiers: ClinVar variation 1051036 (VCV001051036.9), dbSNP rs1314725075, ClinGen allele CA360933808.